The following is an entry in ClinVar:

NM_001005498.4(RHBDF2):c.494G>A (p.Arg165Gln)

Gene: RHBDF2 (rhomboid 5 homolog 2; minus strand). Cytogenetic location: 17q25.1.
Variant type: single nucleotide variant.
Coding change: c.494G>A on transcript NM_001005498.4 (MANE Select); coding-DNA position 494, G replaced by A.
Protein change: p.Arg165Gln; replaces arginine 165 with glutamine.
Molecular consequence: missense variant. On other transcripts: non-coding transcript variant (3).
Genome position (GRCh38, 1-based): chr17:76,478,984, C>T on the plus strand (G>A on the coding strand, the complement: RHBDF2 is on the minus strand). VCF-style: chr17-76478984-C-T. GRCh37 (hg19) VCF-style: chr17-74475066-C-T.
Other names: c.494G>A, p.Arg165Gln (NM_001376228.1, NM_001376229.1, NM_001376230.1); c.581G>A, p.Arg194Gln (NM_024599.5); short protein forms R165Q, R194Q.
Identifiers: ClinVar variation 3004260 (VCV003004260.3), dbSNP rs369354024, ClinGen allele CA8787330.

ClinVar aggregate classification (germline): Uncertain significance (1 of 4 stars; one submission).

Allele frequency attached by ClinVar (database versions not stated): gnomAD exomes below 0.00001; gnomAD 0.00001; TOPMed 0.00001; ExAC 0.00002; ESP Exome Variant Server 0.00008.
gnomAD v4.1: 2 of 1,594,988 alleles (0.00013%); highest among the groups gnomAD compares: Non-Finnish European, 0.00017%; no homozygotes.

Submission:

Labcorp Genetics (formerly Invitae), Labcorp
Classification: Uncertain significance. Last evaluated: 2022-12-31. Review status: criteria provided, single submitter. Criteria: Invitae Variant Classification Sherloc (09022015). Collection method: clinical testing. Allele origin: germline.
Comment: This sequence change replaces arginine, which is basic and polar, with glutamine, which is neutral and polar, at codon 194 of the RHBDF2 protein (p.Arg194Gln). In summary, the available evidence is currently insufficient to determine the role of this variant in disease. Therefore, it has been classified as a Variant of Uncertain Significance. Algorithms developed to predict the effect of missense changes on protein structure and function are either unavailable or do not agree on the potential impact of this missense change (SIFT: "Tolerated"; PolyPhen-2: "Probably Damaging"; Align-GVGD: "Class C0"). This variant has not been reported in the literature in individuals affected with RHBDF2-related conditions. This variant is present in population databases (rs369354024, gnomAD 0.006%).